The following is an entry in ClinVar:

ClinVar aggregate classification (germline): Pathogenic (1 of 4 stars; one submission).

Conditions:
Progressive myoclonic epilepsy type 8. Identifiers: Orphanet 424027, MedGen C5190825, MONDO:0014545, OMIM 616230.

Submission:

3billion
Classification: Pathogenic for Progressive myoclonic epilepsy type 8. Last evaluated: 2023-08-14. Review status: criteria provided, single submitter. Criteria: ACMG Guidelines, 2015. Collection method: clinical testing. Allele origin: germline. Affected: yes.
Comment: The variant is not observed in the gnomAD v2.1.1 dataset. Predicted Consequence/Location: Frameshift: predicted to result in a loss or disruption of normal protein function through nonsense-mediated decay (NMD) or protein truncation. Multiple pathogenic variants are reported downstream of the variant. Therefore, this variant is classified as Pathogenic according to the recommendation of ACMG/AMP guideline.

NM_021267.5(CERS1):c.269del (p.Cys90fs)

Genes: CERS1 (ceramide synthase 1; minus strand), GDF1 (growth differentiation factor 1; minus strand). Cytogenetic location: 19p13.11.
Variant type: Deletion.
Coding change: c.269del on transcript NM_021267.5 (MANE Select); coding-DNA position 269, one base deleted (G; older notation c.269delG).
Protein change: p.Cys90fs; shifts the reading frame from cysteine 90.
Molecular consequence: frameshift variant. On other transcripts: 5 prime UTR variant (7).
Genome position (GRCh38, 1-based): chr19:18,893,556, C deleted on the plus strand (G on the coding strand, the reverse complement: CERS1 is on the minus strand). VCF-style (leftmost placement, unchanged base first): chr19-18893555-GC-G. GRCh37 (hg19) VCF-style: chr19-19004364-GC-G.
Other names: c.-26del (NM_001290265.2, NM_001387442.1, NM_001387443.1 and 2 more transcripts); c.269del, p.Cys90fs (NM_001387439.1, NM_001387440.1, NM_001387441.1 and 1 more transcripts); c.-634del (NM_001387438.1); c.-1054del (NM_001492.6); short protein forms C90fs.
Identifiers: ClinVar variation 3776097 (VCV003776097.1).